The following is an entry in ClinVar:

ClinVar aggregate classification (germline): Conflicting classifications of pathogenicity. Review status: criteria provided, conflicting classifications (1 of 4 stars). 8 submissions from 8 submitters: Uncertain significance (6); Benign (1); Likely benign (1). Last evaluated 2026-01-20.

Conditions:
Mitochondrial complex 2 deficiency, nuclear type 3. Also called: MITOCHONDRIAL COMPLEX II DEFICIENCY, NUCLEAR TYPE 3. Identifiers: MedGen C5436934, MONDO:0030937, OMIM 619167.
Paragangliomas with sensorineural hearing loss. Identifiers: MedGen C1868633.
Pheochromocytoma. Also called: MAX-Related Hereditary Paraganglioma-Pheochromocytoma Syndrome. Identifiers: Orphanet 29072, MedGen C0031511, MONDO:0008233, OMIM 171300, HP:0002666.
Cowden syndrome 3 (CWS3). Identifiers: Orphanet 201, MedGen CN166604, MONDO:0014045.
Carney-Stratakis syndrome. Also called: PARAGANGLIOMA AND GASTROINTESTINAL STROMAL TUMOR. Identifiers: Orphanet 97286, MedGen C1847319, MONDO:0011740, OMIM 606864.
Pheochromocytoma/paraganglioma syndrome 1. Also called: Paragangliomas 1; Glomus tumors familial 1; Paraganglioma - glomus jugulare; SDHD-Related Hereditary Paraganglioma-Pheochromocytoma Syndrome; PARAGANGLIOMAS, FAMILIAL NONCHROMAFFIN, 1; PGL 1. Identifiers: Orphanet 29072, MedGen C3494181, MONDO:0008192, OMIM 168000.
Hereditary cancer-predisposing syndrome. Also called: Neoplastic Syndromes, Hereditary; Hereditary neoplastic syndrome; Tumor predisposition; Hereditary Cancer Syndrome. Identifiers: Orphanet 140162, MedGen C0027672, MeSH D009386, MONDO:0015356.
Hereditary pheochromocytoma and paraganglioma. Also called: Hereditary Paraganglioma-Pheochromocytoma Syndromes; Hereditary paragangliomas and pheochromocytomas; Hereditary pheochromocytoma-paraganglioma. Identifiers: Orphanet 29072, MedGen C4274332, MONDO:0017366.

Allele frequency attached by ClinVar (database versions not stated): gnomAD 0.00001; gnomAD exomes 0.00001; TOPMed 0.00001; ExAC 0.00003.
gnomAD v4.1: 111 of 1,611,796 alleles (0.0069%); highest among the groups gnomAD compares: East Asian, 0.24%; no homozygotes.

Submissions (8):

Labcorp Genetics (formerly Invitae), Labcorp
Classification: Uncertain significance for Carney-Stratakis syndrome; Paragangliomas with sensorineural hearing loss; Pheochromocytoma; Cowden syndrome 3. Last evaluated: 2026-01-20. Review status: criteria provided, single submitter. Criteria: Invitae Variant Classification Sherloc (09022015). Collection method: clinical testing. Allele origin: germline.
Comment: This sequence change replaces valine, which is neutral and non-polar, with isoleucine, which is neutral and non-polar, at codon 111 of the SDHD protein (p.Val111Ile). This variant is present in population databases (rs201869798, gnomAD 0.01%). This missense change has been observed in individual(s) with pheochromocytoma (PMID: 17308434, 24134185, 33219105). ClinVar contains an entry for this variant (Variation ID: 412515). Invitae Evidence Modeling of protein sequence and biophysical properties (such as structural, functional, and spatial information, amino acid conservation, physicochemical variation, residue mobility, and thermodynamic stability) indicates that this missense variant is not expected to disrupt SDHD protein function with a negative predictive value of 95%. Experimental studies have shown that this missense change affects SDHD function (PMID: 33219105). In summary, the available evidence is currently insufficient to determine the role of this variant in disease. Therefore, it has been classified as a Variant of Uncertain Significance.

Quest Diagnostics Nichols Institute San Juan Capistrano
Classification: Uncertain significance. Last evaluated: 2025-11-06. Review status: criteria provided, single submitter. Criteria: Quest Diagnostics criteria. Collection method: clinical testing. Allele origin: unknown.
Comment: The SDHD c.331G>A (p.Val111Ile) variant has been reported in the published literature in individuals with pheochromocytoma and paraganglioma (PMID: 33219105 (2022), 17308434 (2007)). This variant was also reported to affect succinate dehydrogenase activity and SDHD mRNA expression (PMID: 33219105 (2022)). The frequency of this variant in the general population (Genome Aggregation Database) is uninformative in the assessment of its pathogenicity. Analysis of this variant using bioinformatics tools for the prediction of the effect of amino acid changes on protein structure and function yielded conflicting predictions that this variant is benign or damaging. Based on the available information, we are unable to determine the clinical significance of this variant.

Color Diagnostics, LLC DBA Color Health
Classification: Benign for Hereditary pheochromocytoma and paraganglioma. Last evaluated: 2025-06-04. Review status: criteria provided, single submitter. Criteria: ACMG Guidelines, 2015. Collection method: clinical testing. Allele origin: germline.

GeneDx
Classification: Uncertain significance. Last evaluated: 2024-06-26. Review status: criteria provided, single submitter. Criteria: GeneDx Variant Classification Process June 2021. Collection method: clinical testing. Allele origin: germline. Affected: yes.
Comment: Not observed at significant frequency in large population cohorts (gnomAD); In silico analysis indicates that this missense variant does not alter protein structure/function; Functional studies demonstrate decreased SDH activity (PMID: 33219105); This variant is associated with the following publications: (PMID: 26273102, 17308434, 22904323, 33219105, 32241160, 24134185, 36896836)

Department of Pathology and Laboratory Medicine, Sinai Health System
Classification: Uncertain significance for Pheochromocytoma/paraganglioma syndrome 1; Carney-Stratakis syndrome; Mitochondrial complex 2 deficiency, nuclear type 3. Last evaluated: 2023-09-19. Review status: criteria provided, single submitter. Criteria: ACMG Guidelines, 2015. Collection method: clinical testing. Allele origin: germline. Affected: yes.

St. Jude Molecular Pathology, St. Jude Children's Research Hospital
Classification: Uncertain significance for Pheochromocytoma/paraganglioma syndrome 1. Last evaluated: 2023-08-21. Review status: criteria provided, single submitter. Criteria: St. Jude Assertion Criteria 2020. Collection method: clinical testing. Allele origin: germline.
Comment: The SDHD c.331G>A (p.Val111Ile) missense change has a maximum subpopulation frequency of 0.011% in gnomAD v2.1.1. The in silico tool REVEL is inconclusive about a pathogenic or benign effect of this variant on protein function, and a functional study has shown that this change affects SDHD function (PMID: 33219105). This variant has been reported in Korean and Japanese individuals with unilateral pheochromocytoma (PMID: 17308434, 24134185, 33219105). In summary, the evidence currently available is insufficient to determine the clinical significance of this variant. It has therefore been classified as of uncertain significance.

Baylor Genetics
Classification: Uncertain significance for Mitochondrial complex 2 deficiency, nuclear type 3. Last evaluated: 2023-06-15. Review status: criteria provided, single submitter. Criteria: ACMG Guidelines, 2015. Collection method: clinical testing. Allele origin: unknown.

Ambry Genetics
Classification: Likely benign for Hereditary cancer-predisposing syndrome. Last evaluated: 2023-02-16. Review status: criteria provided, single submitter. Criteria: Ambry Variant Classification Scheme 2023. Collection method: clinical testing. Allele origin: germline.

Literature cited by the submitters: PubMed 17308434 (cited by 4 submitters); PubMed 24134185 (cited by 3 submitters); PubMed 33219105 (cited by 4 submitters); PubMed 26273102 (cited by Quest Diagnostics Nichols Institute San Juan Capistrano).

NM_003002.4(SDHD):c.331G>A (p.Val111Ile)

Gene: SDHD (succinate dehydrogenase complex subunit D; plus strand). Cytogenetic location: 11q23.1.
Variant type: single nucleotide variant.
Coding change: c.331G>A on transcript NM_003002.4 (MANE Select); coding-DNA position 331, G replaced by A.
Protein change: p.Val111Ile; replaces valine 111 with isoleucine.
Molecular consequence: missense variant. On other transcripts: synonymous variant (1), 3 prime UTR variant (1), non-coding transcript variant (1).
Genome position (GRCh38, 1-based): chr11:112,094,821, G>A. VCF-style: chr11-112094821-G-A. GRCh37 (hg19) VCF-style: chr11-111965545-G-A.
Other names: c.186G>A, p.Leu62= (NM_001276503.2); c.214G>A, p.Val72Ile (NM_001276504.2); c.*29G>A (NM_001276506.2); short protein forms V111I, V72I.
Identifiers: ClinVar variation 412515 (VCV000412515.28), dbSNP rs201869798, ClinGen allele CA071246.